The following is an entry in ClinVar:

ClinVar aggregate classification (germline): Likely benign. Review status: criteria provided, multiple submitters, no conflicts (2 of 4 stars). 2 submissions from 2 submitters: Likely benign (2). Last evaluated 2023-06-08.

Conditions:
Breast-ovarian cancer, familial, susceptibility to, 2 (BROVCA2). Also called: BRCA2 Hereditary Breast and Ovarian Cancer. Identifiers: Orphanet 145, MedGen C2675520, MONDO:0012933, OMIM 612555. Disease mechanism: loss of function.

Submissions (2):

All of Us Research Program, National Institutes of Health
Classification: Likely benign for Breast-ovarian cancer, familial, susceptibility to, 2. Last evaluated: 2023-06-08. Review status: criteria provided, single submitter. Criteria: ACMG Guidelines, 2015. Collection method: clinical testing. Allele origin: germline. Inheritance: Autosomal dominant inheritance. Observed: 1 variant allele, 1 heterozygote.
Comment: This study involves interpretation of variants in research participants for the purpose of population health screening. Participant phenotype was not available at the time of variant classification. Additional details can be found in publication PMID: 35346344, PMCID: PMC8962531

GeneDx
Classification: Likely benign. Last evaluated: 2017-08-28. Review status: criteria provided, single submitter. Criteria: GeneDx Variant Classification (06012015). Collection method: clinical testing. Allele origin: germline. Affected: yes.
Comment: This variant is considered likely benign or benign based on one or more of the following criteria: it is a conservative change, it occurs at a poorly conserved position in the protein, it is predicted to be benign by multiple in silico algorithms, and/or has population frequency not consistent with disease.

NM_000059.4(BRCA2):c.9078G>A (p.Gln3026=)

Gene: BRCA2 (BRCA2 DNA repair associated; plus strand). Cytogenetic location: 13q13.1.
Variant type: single nucleotide variant.
Coding change: c.9078G>A on transcript NM_000059.4 (MANE Select); coding-DNA position 9078, G replaced by A.
Protein change: p.Gln3026=; no amino-acid change (glutamine 3026 retained).
Molecular consequence: synonymous variant.
Genome position (GRCh38, 1-based): chr13:32,379,874, G>A. VCF-style: chr13-32379874-G-A. GRCh37 (hg19) VCF-style: chr13-32954011-G-A.
Identifiers: ClinVar variation 511791 (VCV000511791.2), dbSNP rs1359207910, ClinGen allele CA483439877.